The following is an entry in ClinVar:

NM_001378183.1(PIEZO2):c.5068A>G (p.Lys1690Glu)

Gene: PIEZO2 (piezo type mechanosensitive ion channel component 2; minus strand). Cytogenetic location: 18p11.22.
Variant type: single nucleotide variant.
Coding change: c.5068A>G on transcript NM_001378183.1 (MANE Select); coding-DNA position 5068, A replaced by G.
Protein change: p.Lys1690Glu; replaces lysine 1690 with glutamic acid.
Molecular consequence: missense variant.
Genome position (GRCh38, 1-based): chr18:10,718,221, T>C on the plus strand (A>G on the coding strand, the complement: PIEZO2 is on the minus strand). VCF-style: chr18-10718221-T-C. GRCh37 (hg19) VCF-style: chr18-10718219-T-C.
Other names: c.4969A>G, p.Lys1657Glu (NM_001410871.1); c.4894A>G, p.Lys1632Glu (NM_022068.4); short protein forms K1690E, K1632E, K1657E.
Identifiers: ClinVar variation 3212727 (VCV003212727.3), dbSNP rs745977544, ClinGen allele CA8892367.
Genomic context (GRCh38, chr18:10,718,221, plus strand): 5'-CAAAGTTCCCACAGCTCATATTTGTCTTTATTTTGTTACCTGGTCCATCGGATTTCTTTT[T>C]GATTGGTTCATCCTCCCGGTCTTCCCATTCCACAGGACCTGCCAAGTGTGTTCAATAAAG-3'
Protein context (NP_001365112.1, residues 1680-1700): EWEDREDEPI[Lys1690Glu]KKSDGPDNII

ClinVar aggregate classification (germline): Uncertain significance. Review status: criteria provided, multiple submitters, no conflicts (2 of 4 stars). 2 submissions from 2 submitters: Uncertain significance (2). Last evaluated 2025-12-02.

Conditions:
Inborn genetic diseases. Identifiers: MedGen C0950123, MeSH D030342.
Gordon syndrome (DA3). Also called: ARTHROGRYPOSIS MULTIPLEX CONGENITA, DISTAL, TYPE IIA; CAMPTODACTYLY, CLEFT PALATE, AND CLUBFOOT; Gordon's syndrome. Identifiers: Orphanet 376, MedGen C0220666, MONDO:0007252, OMIM 114300.

Allele frequency attached by ClinVar (database versions not stated): gnomAD exomes 0.00001; ExAC 0.00006; gnomAD 0.00002; TOPMed 0.00002.
gnomAD v4.1: 13 of 1,537,016 alleles (0.00085%); highest among the groups gnomAD compares: Middle Eastern, 0.017%; no homozygotes.

Submissions (2):

Dasa
Classification: Uncertain significance for Gordon syndrome. Last evaluated: 2025-12-02. Review status: criteria provided, single submitter. Criteria: DASA Assertion Criteria. Collection method: clinical testing. Allele origin: germline.
Comment: NM_001378183.1(PIEZO2):c.5068A>G (p.Lys1690Glu) is a missense variant that results in the substitution of lysine with glutamic acid. This variant is rare in population databases. The currently available literature and clinical evidence are not sufficient to establish a definitive association between this variant and the reported condition. Therefore, this variant is classified as a variant of uncertain significance.

Ambry Genetics
Classification: Uncertain significance for Inborn genetic diseases. Last evaluated: 2023-12-27. Review status: criteria provided, single submitter. Criteria: Ambry Variant Classification Scheme 2023. Collection method: clinical testing. Allele origin: germline.